The following is an entry in ClinVar:

ClinVar aggregate classification (germline): Uncertain significance (1 of 4 stars; one submission).

Conditions:
Hereditary breast ovarian cancer syndrome. Also called: Hereditary breast and ovarian cancer syndrome (HBOC); Hereditary breast and ovarian cancer syndrome; Breast and ovarian cancer; BRCA1- and BRCA2-Associated Hereditary Breast and Ovarian Cancer; Hereditary breast and ovarian cancer; Hereditary breast and/or ovarian cancer syndrome. Identifiers: Orphanet 145, MedGen C0677776, MeSH D061325, MONDO:0003582. Disease mechanism: loss of function.

Submission:

Labcorp Genetics (formerly Invitae), Labcorp
Classification: Uncertain significance for Hereditary breast ovarian cancer syndrome. Last evaluated: 2023-03-22. Review status: criteria provided, single submitter. Criteria: Invitae Variant Classification Sherloc (09022015). Collection method: clinical testing. Allele origin: germline.
Comment: This sequence change replaces leucine, which is neutral and non-polar, with isoleucine, which is neutral and non-polar, at codon 2688 of the BRCA2 protein (p.Leu2688Ile). This variant is not present in population databases (gnomAD no frequency). This variant has not been reported in the literature in individuals affected with BRCA2-related conditions. Advanced modeling of protein sequence and biophysical properties (such as structural, functional, and spatial information, amino acid conservation, physicochemical variation, residue mobility, and thermodynamic stability) performed at Invitae indicates that this missense variant is not expected to disrupt BRCA2 protein function. This variant disrupts the p.Leu2688 amino acid residue in BRCA2. Other variant(s) that disrupt this residue have been determined to be pathogenic (PMID: 10923033, 23108138, 29394989, 30696104, 32444794, 33609447, 33964450). This suggests that this residue is clinically significant, and that variants that disrupt this residue are likely to be disease-causing. In summary, the available evidence is currently insufficient to determine the role of this variant in disease. Therefore, it has been classified as a Variant of Uncertain Significance.

Literature cited by the submitters: PubMed 10923033; PubMed 23108138; PubMed 29394989; PubMed 30696104; PubMed 32444794; PubMed 33609447; PubMed 33964450.

NM_000059.4(BRCA2):c.8062C>A (p.Leu2688Ile)

Gene: BRCA2 (BRCA2 DNA repair associated; plus strand). Cytogenetic location: 13q13.1.
Variant type: single nucleotide variant.
Coding change: c.8062C>A on transcript NM_000059.4 (MANE Select); coding-DNA position 8062, C replaced by A.
Protein change: p.Leu2688Ile; replaces leucine 2688 with isoleucine.
Molecular consequence: missense variant. On other transcripts: non-coding transcript variant (1).
Genome position (GRCh38, 1-based): chr13:32,363,264, C>A. VCF-style: chr13-32363264-C-A. GRCh37 (hg19) VCF-style: chr13-32937401-C-A.
Other names: c.7966C>A, p.Leu2656Ile (NM_001406719.1); c.8062C>A, p.Leu2688Ile (NM_001406720.1); c.3130C>A, p.Leu1044Ile (NM_001406721.1); c.1645C>A, p.Leu549Ile (NM_001406722.1); short protein forms L2656I, L2688I, L549I, L1044I.
Identifiers: ClinVar variation 2848474 (VCV002848474.3), dbSNP rs2137580393, ClinGen allele CA387749118.